The following is an entry in ClinVar:

NM_001365536.1(SCN9A):c.4381A>G (p.Asn1461Asp)

Genes: SCN9A (sodium voltage-gated channel alpha subunit 9; minus strand), SCN1A-AS1 (SCN1A and SCN9A antisense RNA 1; plus strand). Cytogenetic location: 2q24.3.
Variant type: single nucleotide variant.
Coding change: c.4381A>G on transcript NM_001365536.1 (MANE Select); coding-DNA position 4381, A replaced by G.
Protein change: p.Asn1461Asp; replaces asparagine 1461 with aspartic acid.
Molecular consequence: missense variant.
Genome position (GRCh38, 1-based): chr2:166,226,584, T>C on the plus strand (A>G on the coding strand, the complement: SCN9A is on the minus strand). VCF-style: chr2-166226584-T-C. GRCh37 (hg19) VCF-style: chr2-167083094-T-C.
Other names: c.4348A>G, p.Asn1450Asp (NM_002977.4); short protein forms N1450D, N1461D.
Identifiers: ClinVar variation 3757127 (VCV003757127.2).

ClinVar aggregate classification (germline): Uncertain significance (1 of 4 stars; one submission).

Conditions:
Neuropathy, hereditary sensory and autonomic, type 2A (HSAN2A). Also called: MORVAN DISEASE; NEUROPATHY, CONGENITAL SENSORY; NEUROPATHY, HEREDITARY SENSORY RADICULAR, AUTOSOMAL RECESSIVE; NEUROPATHY, HEREDITARY SENSORY, TYPE IIA; NEUROPATHY, PROGRESSIVE SENSORY, OF CHILDREN; ACROOSTEOLYSIS, GIACCAI TYPE. Identifiers: Orphanet 970, MedGen C2752089, MONDO:0024309, OMIM 201300.
Generalized epilepsy with febrile seizures plus, type 7 (GEFSP7). Also called: GEFS+, TYPE 7. Identifiers: Orphanet 36387, MedGen C2751778, MONDO:0013470, OMIM 613863.

Submission:

Labcorp Genetics (formerly Invitae), Labcorp
Classification: Uncertain significance for Neuropathy, hereditary sensory and autonomic, type 2A; Generalized epilepsy with febrile seizures plus, type 7. Last evaluated: 2024-07-03. Review status: criteria provided, single submitter. Criteria: Invitae Variant Classification Sherloc (09022015). Collection method: clinical testing. Allele origin: germline.
Comment: This sequence change replaces asparagine, which is neutral and polar, with aspartic acid, which is acidic and polar, at codon 1450 of the SCN9A protein (p.Asn1450Asp). This variant is not present in population databases (gnomAD no frequency). This variant has not been reported in the literature in individuals affected with SCN9A-related conditions. Advanced modeling of protein sequence and biophysical properties (such as structural, functional, and spatial information, amino acid conservation, physicochemical variation, residue mobility, and thermodynamic stability) has been performed at Invitae for this missense variant, however the output from this modeling did not meet the statistical confidence thresholds required to predict the impact of this variant on SCN9A protein function. In summary, the available evidence is currently insufficient to determine the role of this variant in disease. Therefore, it has been classified as a Variant of Uncertain Significance.